The following is an entry in ClinVar:

ClinVar aggregate classification (germline): Likely benign (1 of 4 stars; one submission).

Allele frequency attached by ClinVar (database versions not stated): TOPMed 0.00002; gnomAD exomes 0.00012; gnomAD 0.00014; ExAC 0.00036.
gnomAD v4.1: 149 of 1,182,419 alleles (0.013%); highest among the groups gnomAD compares: Non-Finnish European, 0.0052%; no homozygotes.

Submission:

CeGaT Center for Human Genetics Tuebingen
Classification: Likely benign. Last evaluated: 2024-03-01. Review status: criteria provided, single submitter. Criteria: CeGaT Center For Human Genetics Tuebingen Variant Classification Criteria Version 2. Collection method: clinical testing. Allele origin: germline. Affected: yes. Observed: 2 variant alleles.
Comment: TEX11: BP4, BS2

NM_031276.3(TEX11):c.2393A>G (p.Gln798Arg)

Gene: TEX11 (testis expressed 11; minus strand). Cytogenetic location: Xq13.1.
Variant type: single nucleotide variant.
Coding change: c.2393A>G on transcript NM_031276.3 (MANE Select); coding-DNA position 2393, A replaced by G.
Protein change: p.Gln798Arg; replaces glutamine 798 with arginine.
Molecular consequence: missense variant.
Genome position (GRCh38, 1-based): chrX:70,553,312, T>C on the plus strand (A>G on the coding strand, the complement: TEX11 is on the minus strand). VCF-style: chrX-70553312-T-C. GRCh37 (hg19) VCF-style: chrX-69773162-T-C.
Other names: c.2438A>G, p.Gln813Arg (NM_001003811.2); short protein forms Q798R, Q813R.
Identifiers: ClinVar variation 2660829 (VCV002660829.24), dbSNP rs202136447, ClinGen allele CA10442483.
Genomic context (GRCh38, chrX:70,553,312, plus strand): 5'-GGCATTGACTATAGTTCTTTTGGCTAGCAAAAAGGCTGGATTGTATTTACTAACCTGTAT[T>C]GTGATATATCAATTGGTTCTTCCTTTTTGTAGAGCAATAAAGCCTTTTTCAAGGCCTTGA-3'
Protein context (NP_112566.2, residues 788-808): YKKEEPIDIS[Gln798Arg]YSKCMHNLVN